The following is an entry in ClinVar:

ClinVar aggregate classification (germline): Likely pathogenic (1 of 4 stars; one submission).

Conditions:
Aarskog syndrome (AAS). Also called: Aarskog Scott syndrome; Aarskog disease; Aarskog-Scott syndrome, X-linked; FGDY; FGD1-Related Faciogenital Dysplasia (Aarskog-Scott Syndrome). Identifiers: Orphanet 915, MedGen C0175701, MONDO:0010589, OMIM 305400.

Submission:

Laboratory of Medical Genetics, National & Kapodistrian University of Athens
Classification: Likely pathogenic for Aarskog syndrome. Last evaluated: 2023-12-04. Review status: criteria provided, single submitter. Criteria: ACMG Guidelines, 2015. Collection method: clinical testing. Allele origin: germline. Affected: yes.
Comment: PVS1, PM2 - The variant is expected to result in an absent or disrupted protein product. Low frequency in gnomAD population databases.

NM_004463.3(FGD1):c.420del (p.Thr141fs)

Gene: FGD1 (FYVE, RhoGEF and PH domain containing 1; minus strand). Cytogenetic location: Xp11.22.
Variant type: Deletion.
Coding change: c.420del on transcript NM_004463.3 (MANE Select); coding-DNA position 420, one base deleted (G; older notation c.420delG).
Protein change: p.Thr141fs; shifts the reading frame from threonine 141.
Molecular consequence: frameshift variant.
Genome position (GRCh38, 1-based): chrX:54,471,375, C deleted on the plus strand (G on the coding strand, the reverse complement: FGD1 is on the minus strand). VCF-style (leftmost placement, unchanged base first): chrX-54471374-TC-T. GRCh37 (hg19) VCF-style: chrX-54497807-TC-T.
Other names: short protein forms T141fs.
Identifiers: ClinVar variation 3256577 (VCV003256577.1).